The following is an entry in ClinVar:

NM_005505.5(SCARB1):c.126+4G>A

Genes: SCARB1 (scavenger receptor class B member 1; minus strand), LOC130009157 (ATAC-STARR-seq lymphoblastoid silent region 5067; plus strand). Cytogenetic location: 12q24.31.
Variant type: single nucleotide variant.
Coding change: c.126+4G>A on transcript NM_005505.5 (MANE Select); 4 bases into the intron after coding-DNA position 126, G replaced by A.
Molecular consequence: intron variant.
Genome position (GRCh38, 1-based): chr12:124,863,591, C>T on the plus strand (G>A on the coding strand, the complement: SCARB1 is on the minus strand). VCF-style: chr12-124863591-C-T. GRCh37 (hg19) VCF-style: chr12-125348137-C-T.
Other names: c.126+4G>A (NM_001367983.1, NM_005505.4, NM_001367988.1 and 7 more transcripts).
Identifiers: ClinVar variation 2733662 (VCV002733662.5), dbSNP rs149399988, ClinGen allele CA6870708.

ClinVar aggregate classification (germline): Uncertain significance. Review status: criteria provided, single submitter (1 of 4 stars). 2 submissions from 2 submitters: Uncertain significance (1). 1 of the submissions does not count toward it. Last evaluated 2025-06-15.

Conditions:
SCARB1-related disorder. Also called: SCARB1-related condition.

Allele frequency attached by ClinVar (database versions not stated): ExAC 0.00017; 1000 Genomes Project 0.00020; gnomAD 0.00041; gnomAD exomes 0.00008; TOPMed 0.00039; 1000 Genomes Project 30x 0.00016; ESP Exome Variant Server 0.00031.
gnomAD v4.1: 186 of 1,602,794 alleles (0.012%); highest among the groups gnomAD compares: Middle Eastern, 0.2%; 1 homozygote.

Submissions (2):

Labcorp Genetics (formerly Invitae), Labcorp
Classification: Uncertain significance. Last evaluated: 2025-06-15. Review status: criteria provided, single submitter. Criteria: Invitae Variant Classification Sherloc (09022015). Collection method: clinical testing. Allele origin: germline.
Comment: This sequence change falls in intron 1 of the SCARB1 gene. It does not directly change the encoded amino acid sequence of the SCARB1 protein. It affects a nucleotide within the consensus splice site. This variant is present in population databases (rs149399988, gnomAD 0.1%), and has an allele count higher than expected for a pathogenic variant. This variant has not been reported in the literature in individuals affected with SCARB1-related conditions. ClinVar contains an entry for this variant (Variation ID: 2733662). Variants that disrupt the consensus splice site are a relatively common cause of aberrant splicing (PMID: 17576681, 9536098). Algorithms developed to predict the effect of sequence changes on RNA splicing suggest that this variant is not likely to affect RNA splicing. In summary, the available evidence is currently insufficient to determine the role of this variant in disease. Therefore, it has been classified as a Variant of Uncertain Significance.

PreventionGenetics, part of Exact Sciences
Classification: Likely benign for SCARB1-related condition. Last evaluated: 2019-03-01. Review status: no assertion criteria provided. Collection method: clinical testing. Allele origin: germline. Not counted in ClinVar's aggregate classification.
Comment: This variant is classified as likely benign based on ACMG/AMP sequence variant interpretation guidelines (Richards et al. 2015 PMID: 25741868, with internal and published modifications).

Literature cited by the submitters: PubMed 17576681 (cited by Labcorp Genetics (formerly Invitae), Labcorp); PubMed 9536098 (cited by Labcorp Genetics (formerly Invitae), Labcorp).